The following is an entry in ClinVar:

NM_005144.5(HR):c.2104G>A (p.Gly702Arg)

Gene: HR (HR lysine demethylase and nuclear receptor corepressor; minus strand). Cytogenetic location: 8p21.3.
Variant type: single nucleotide variant.
Coding change: c.2104G>A on transcript NM_005144.5 (MANE Select); coding-DNA position 2104, G replaced by A.
Protein change: p.Gly702Arg; replaces glycine 702 with arginine.
Molecular consequence: missense variant.
Genome position (GRCh38, 1-based): chr8:22,122,510, C>T on the plus strand (G>A on the coding strand, the complement: HR is on the minus strand). VCF-style: chr8-22122510-C-T. GRCh37 (hg19) VCF-style: chr8-21980023-C-T.
Other names: c.2104G>A, p.Gly702Arg (NM_018411.4); short protein forms G702R.
Identifiers: ClinVar variation 909139 (VCV000909139.8), dbSNP rs138941448, ClinGen allele CA4662257.

ClinVar aggregate classification (germline): Uncertain significance. Review status: criteria provided, multiple submitters, no conflicts (2 of 4 stars). 3 submissions from 2 submitters: Uncertain significance (3). Last evaluated 2022-07-04.

Conditions:
Alopecia universalis congenita (ALUNC). Also called: ATRICHIA, GENERALIZED. Identifiers: Orphanet 701, MedGen C1859877, MONDO:0008757, OMIM 203655.
Atrichia with papular lesions (APL). Also called: PAPULAR ATRICHIA. Identifiers: Orphanet 86819, MedGen C1859592, MONDO:0008847, OMIM 209500.

Allele frequency attached by ClinVar (database versions not stated): TOPMed 0.00006.
gnomAD v4.1: 134 of 1,608,940 alleles (0.0083%); highest among the groups gnomAD compares: East Asian, 0.23%; 2 homozygotes.

Submissions (3):

Labcorp Genetics (formerly Invitae), Labcorp
Classification: Uncertain significance. Last evaluated: 2022-07-04. Review status: criteria provided, single submitter. Criteria: Invitae Variant Classification Sherloc (09022015). Collection method: clinical testing. Allele origin: germline.
Comment: This variant is present in population databases (rs138941448, gnomAD 0.07%). In summary, the available evidence is currently insufficient to determine the role of this variant in disease. Therefore, it has been classified as a Variant of Uncertain Significance. Algorithms developed to predict the effect of missense changes on protein structure and function (SIFT, PolyPhen-2, Align-GVGD) all suggest that this variant is likely to be disruptive. ClinVar contains an entry for this variant (Variation ID: 909139). This variant has not been reported in the literature in individuals affected with HR-related conditions. This sequence change replaces glycine, which is neutral and non-polar, with arginine, which is basic and polar, at codon 702 of the HR protein (p.Gly702Arg).

Illumina Laboratory Services, Illumina
Classification: Uncertain significance for Alopecia universalis congenita. Last evaluated: 2018-01-13. Review status: criteria provided, single submitter. Criteria: ICSL Variant Classification Criteria 13 December 2019. Collection method: clinical testing. Allele origin: germline.

Illumina Laboratory Services, Illumina
Classification: Uncertain significance for Atrichia with papular lesions. Last evaluated: 2018-01-13. Review status: criteria provided, single submitter. Criteria: ICSL Variant Classification Criteria 13 December 2019. Collection method: clinical testing. Allele origin: germline.